The following is an entry in ClinVar:

ClinVar aggregate classification (germline): Pathogenic. Review status: criteria provided, single submitter (1 of 4 stars). 2 submissions from 2 submitters: Pathogenic (1). 1 of the submissions does not count toward it. Last evaluated 2025-03-04.

Conditions:
Achromatopsia 2 (ACHM2). Also called: COLORBLINDNESS, TOTAL; ROD MONOCHROMACY 2; ROD MONOCHROMATISM 2. Identifiers: Orphanet 49382, MedGen C1857618, MONDO:0009003, OMIM 216900.

Submissions (2):

Institute of Human Genetics, University of Leipzig Medical Center
Classification: Pathogenic for Achromatopsia 2. Last evaluated: 2025-03-04. Review status: criteria provided, single submitter. Criteria: ACMG Guidelines, 2015. Collection method: clinical testing. Allele origin: unknown. Inheritance: Autosomal recessive inheritance. Affected: yes.
Comment: Criteria applied: PM5_STR,PM1,PM2,PP3,PP4

Molecular Genetics Laboratory, Institute for Ophthalmic Research
Classification: Likely pathogenic for Achromatopsia 2. Last evaluated: 2021-04-15. Review status: no assertion criteria provided. Collection method: research. Allele origin: germline. Affected: yes. Not counted in ClinVar's aggregate classification.

NM_001298.3(CNGA3):c.1708A>G (p.Ser570Gly)

Gene: CNGA3 (cyclic nucleotide gated channel subunit alpha 3; plus strand). Cytogenetic location: 2q11.2.
Variant type: single nucleotide variant.
Coding change: c.1708A>G on transcript NM_001298.3 (MANE Select); coding-DNA position 1708, A replaced by G.
Protein change: p.Ser570Gly; replaces serine 570 with glycine.
Molecular consequence: missense variant.
Genome position (GRCh38, 1-based): chr2:98,396,878, A>G. VCF-style: chr2-98396878-A-G. GRCh37 (hg19) VCF-style: chr2-99013341-A-G.
Other names: c.1654A>G, p.Ser552Gly (NM_001079878.2); short protein forms S552G, S570G.
Identifiers: ClinVar variation 1064474 (VCV001064474.2), dbSNP rs2104249895, ClinGen allele CA347834118.